The following is an entry in ClinVar:

NM_014484.5(MOCS3):c.523G>A (p.Val175Met)

Gene: MOCS3 (molybdenum cofactor synthesis 3; plus strand). Cytogenetic location: 20q13.13.
Variant type: single nucleotide variant.
Coding change: c.523G>A on transcript NM_014484.5 (MANE Select); coding-DNA position 523, G replaced by A.
Protein change: p.Val175Met; replaces valine 175 with methionine.
Molecular consequence: missense variant.
Genome position (GRCh38, 1-based): chr20:50,959,365, G>A. VCF-style: chr20-50959365-G-A. GRCh37 (hg19) VCF-style: chr20-49575902-G-A.
Other names: short protein forms V175M.
Identifiers: ClinVar variation 4761923 (VCV004761923.1).

ClinVar aggregate classification (germline): Uncertain significance (1 of 4 stars; one submission).

gnomAD v4.1: 1 of 1,612,016 alleles (0.000062%); highest among the groups gnomAD compares: Non-Finnish European, 0.000085%; no homozygotes.

Submission:

Labcorp Genetics (formerly Invitae), Labcorp
Classification: Uncertain significance. Last evaluated: 2025-07-30. Review status: criteria provided, single submitter. Criteria: Invitae Variant Classification Sherloc (09022015). Collection method: clinical testing. Allele origin: germline.
Comment: This sequence change replaces valine, which is neutral and non-polar, with methionine, which is neutral and non-polar, at codon 175 of the MOCS3 protein (p.Val175Met). This variant is present in population databases (rs774812371, gnomAD 0.002%). This variant has not been reported in the literature in individuals affected with MOCS3-related conditions. An algorithm developed to predict the effect of missense changes on protein structure and function (PolyPhen-2) suggests that this variant is likely to be disruptive. In summary, the available evidence is currently insufficient to determine the role of this variant in disease. Therefore, it has been classified as a Variant of Uncertain Significance.